The following is an entry in ClinVar:

ClinVar aggregate classification (germline): Likely benign (1 of 4 stars; one submission).

Conditions:
Ehlers-Danlos syndrome, dermatosparaxis type. Also called: Dermatosparaxis; Ehlers-Danlos syndrome, type VII, autosomal recessive; EDS VIIC. Identifiers: Orphanet 1901, MedGen C2700425, MONDO:0009161, OMIM 225410.

Allele frequency attached by ClinVar (database versions not stated): gnomAD 0.00012 and 0.00019; TOPMed 0.00017; 1000 Genomes Project 30x 0.00141; 1000 Genomes Project 0.00160.

Submission:

Illumina Laboratory Services, Illumina
Classification: Likely benign for Ehlers-Danlos syndrome, dermatosparaxis type. Last evaluated: 2018-01-13. Review status: criteria provided, single submitter. Criteria: ICSL Variant Classification Criteria 13 December 2019. Collection method: clinical testing. Allele origin: germline.
Comment: This variant was observed in the ICSL laboratory as part of a predisposition screen in an ostensibly healthy population. It had not been previously curated by ICSL or reported in the Human Gene Mutation Database (HGMD: prior to June 1st, 2018), and was therefore a candidate for classification through an automated scoring system. Utilizing variant allele frequency, disease prevalence and penetrance estimates, and inheritance mode, an automated score was calculated to assess if this variant is too frequent to cause the disease. Based on the score and internal cut-off values, a variant classified as likely benign is not then subjected to further curation. The score for this variant resulted in a classification of likely benign for this disease.

NM_014244.5(ADAMTS2):c.*2420A>G

Gene: ADAMTS2 (ADAM metallopeptidase with thrombospondin type 1 motif 2; minus strand). Cytogenetic location: 5q35.3.
Variant type: single nucleotide variant.
Coding change: c.*2420A>G on transcript NM_014244.5 (MANE Select); 2420 bases downstream of the stop codon, A replaced by G.
Molecular consequence: 3 prime UTR variant.
Genome position (GRCh38, 1-based): chr5:179,111,447, T>C on the plus strand (A>G on the coding strand, the complement: ADAMTS2 is on the minus strand). VCF-style: chr5-179111447-T-C. GRCh37 (hg19) VCF-style: chr5-178538448-T-C.
Identifiers: ClinVar variation 908003 (VCV000908003.4), dbSNP rs376369089, ClinGen allele CA133017224.
Genomic context (GRCh38, chr5:179,111,447, plus strand): 5'-GTGGTCCCCAGCTCAGAGATTTGCGTCGTTTCTCAGAGCCCGGTGAACGTTGGCATTCCT[T>C]GGACAGACTTTTGAGGACCATCCGGCTCTAGAGGACTCTTGATATATGGCTCAAGGATTG-3'